The following is an entry in ClinVar:

ClinVar aggregate classification (germline): Uncertain significance. Review status: criteria provided, multiple submitters, no conflicts (2 of 4 stars). 2 submissions from 2 submitters: Uncertain significance (2). Last evaluated 2025-04-01.

Conditions:
Early-infantile DEE. Also called: Early infantile epileptic encephalopathy; Early infantile epileptic encephalopathy with suppression bursts; Ohtahara syndrome. Identifiers: Orphanet 1934, MedGen C0393706, MONDO:0800491.
Inborn genetic diseases. Identifiers: MedGen C0950123, MeSH D030342.

Allele frequency attached by ClinVar (database versions not stated): gnomAD exomes below 0.00001 and 0.00001; TOPMed 0.00007; ESP Exome Variant Server 0.00015; ExAC 0.00001; gnomAD 0.00003.
gnomAD v4.1: 11 of 1,613,370 alleles (0.00068%); highest among the groups gnomAD compares: African/African-American, 0.011%; no homozygotes.

Submissions (2):

Labcorp Genetics (formerly Invitae), Labcorp
Classification: Uncertain significance for Early-infantile DEE. Last evaluated: 2025-04-01. Review status: criteria provided, single submitter. Criteria: Invitae Variant Classification Sherloc (09022015). Collection method: clinical testing. Allele origin: germline.
Comment: This sequence change replaces isoleucine, which is neutral and non-polar, with valine, which is neutral and non-polar, at codon 1150 of the SPTAN1 protein (p.Ile1150Val). This variant is present in population databases (rs145516440, gnomAD 0.02%). This variant has not been reported in the literature in individuals affected with SPTAN1-related conditions. ClinVar contains an entry for this variant (Variation ID: 1513101). Invitae Evidence Modeling of protein sequence and biophysical properties (such as structural, functional, and spatial information, amino acid conservation, physicochemical variation, residue mobility, and thermodynamic stability) has been performed for this missense variant. However, the output from this modeling did not meet the statistical confidence thresholds required to predict the impact of this variant on SPTAN1 protein function. In summary, the available evidence is currently insufficient to determine the role of this variant in disease. Therefore, it has been classified as a Variant of Uncertain Significance.

Ambry Genetics
Classification: Uncertain significance for Inborn genetic diseases. Last evaluated: 2024-10-06. Review status: criteria provided, single submitter. Criteria: Ambry Variant Classification Scheme 2023. Collection method: clinical testing. Allele origin: germline.

NM_001130438.3(SPTAN1):c.3448A>G (p.Ile1150Val)

Gene: SPTAN1 (spectrin alpha, non-erythrocytic 1; plus strand). Cytogenetic location: 9q34.11.
Variant type: single nucleotide variant.
Coding change: c.3448A>G on transcript NM_001130438.3 (MANE Select); coding-DNA position 3448, A replaced by G.
Protein change: p.Ile1150Val; replaces isoleucine 1150 with valine.
Molecular consequence: missense variant.
Genome position (GRCh38, 1-based): chr9:128,598,433, A>G. VCF-style: chr9-128598433-A-G. GRCh37 (hg19) VCF-style: chr9-131360712-A-G.
Other names: c.3388A>G, p.Ile1130Val (NM_001195532.2, NM_001363765.2, NM_001375314.2); c.3448A>G, p.Ile1150Val (NM_001363759.2, NM_001375310.1, NM_001375311.2 and 2 more transcripts); c.3484A>G, p.Ile1162Val (NM_001375312.2, NM_001375318.1); c.3448A>G (NM_001130438.2); short protein forms I1130V, I1150V, I1162V.
Identifiers: ClinVar variation 1513101 (VCV001513101.10), dbSNP rs145516440, ClinGen allele CA5264922.